The following is an entry in ClinVar:

NM_000202.8(IDS):c.950C>A (p.Ala317Asp)

Genes: IDS (iduronate 2-sulfatase; minus strand), LOC106050102 (IDS recombination region; plus strand). Cytogenetic location: Xq28.
Variant type: single nucleotide variant.
Coding change: c.950C>A on transcript NM_000202.8 (MANE Select); coding-DNA position 950, C replaced by A.
Protein change: p.Ala317Asp; replaces alanine 317 with aspartic acid.
Molecular consequence: missense variant. On other transcripts: non-coding transcript variant (1).
Genome position (GRCh38, 1-based): chrX:149,490,370, G>T on the plus strand (C>A on the coding strand, the complement: IDS is on the minus strand). VCF-style: chrX-149490370-G-T. GRCh37 (hg19) VCF-style: chrX-148571901-G-T.
Other names: c.680C>A, p.Ala227Asp (NM_001166550.4); c.950C>A, p.Ala317Asp (NM_006123.5); short protein forms A227D, A317D.
Identifiers: ClinVar variation 1492947 (VCV001492947.9), dbSNP rs374576277, ClinGen allele CA10537544.

ClinVar aggregate classification (germline): Uncertain significance. Review status: criteria provided, multiple submitters, no conflicts (2 of 4 stars). 2 submissions from 2 submitters: Uncertain significance (2). Last evaluated 2025-02-25.

Conditions:
Inborn genetic diseases. Identifiers: MedGen C0950123, MeSH D030342.
Mucopolysaccharidosis, MPS-II (MPS2). Also called: IDURONATE 2-SULFATASE DEFICIENCY; Mucopolysaccharidosis Type II; Attenuated MPS (subtype; formerly known as mild MPS II); Severe MPS II; I2S deficiency; MPS 2. Identifiers: Orphanet 580, Orphanet 79388, MedGen C0026705, MONDO:0010674, OMIM 309900.

Allele frequency attached by ClinVar (database versions not stated): ExAC 0.00002; gnomAD exomes 0.00002 and 0.00003; TOPMed 0.00004; gnomAD 0.00005 and 0.00006; ESP Exome Variant Server 0.00019.
gnomAD v4.1: 34 of 1,207,730 alleles (0.0028%); highest among the groups gnomAD compares: African/African-American, 0.0035%; no homozygotes.

Submissions (2):

Labcorp Genetics (formerly Invitae), Labcorp
Classification: Uncertain significance for Mucopolysaccharidosis, MPS-II. Last evaluated: 2025-02-25. Review status: criteria provided, single submitter. Criteria: Invitae Variant Classification Sherloc (09022015). Collection method: clinical testing. Allele origin: germline.
Comment: This sequence change replaces alanine, which is neutral and non-polar, with aspartic acid, which is acidic and polar, at codon 317 of the IDS protein (p.Ala317Asp). This variant is present in population databases (rs374576277, gnomAD 0.006%). This variant has not been reported in the literature in individuals affected with IDS-related conditions. ClinVar contains an entry for this variant (Variation ID: 1492947). Invitae Evidence Modeling of protein sequence and biophysical properties (such as structural, functional, and spatial information, amino acid conservation, physicochemical variation, residue mobility, and thermodynamic stability) has been performed for this missense variant. However, the output from this modeling did not meet the statistical confidence thresholds required to predict the impact of this variant on IDS protein function. In summary, the available evidence is currently insufficient to determine the role of this variant in disease. Therefore, it has been classified as a Variant of Uncertain Significance.

Ambry Genetics
Classification: Uncertain significance for Inborn genetic diseases. Last evaluated: 2022-06-14. Review status: criteria provided, single submitter. Criteria: Ambry Variant Classification Scheme 2023. Collection method: clinical testing. Allele origin: germline.
Comment: The p.A317D variant (also known as c.950C>A), located in coding exon 7 of the IDS gene, results from a C to A substitution at nucleotide position 950. The alanine at codon 317 is replaced by aspartic acid, an amino acid with dissimilar properties. This amino acid position is conserved. In addition, this alteration is predicted to be deleterious by in silico analysis. Since supporting evidence is limited at this time, the clinical significance of this alteration remains unclear.